The following is an entry in ClinVar:

NM_001009944.3(PKD1):c.5803C>T (p.Arg1935Cys)

Gene: PKD1 (polycystin 1, transient receptor potential channel interacting; minus strand). Cytogenetic location: 16p13.3.
Variant type: single nucleotide variant.
Coding change: c.5803C>T on transcript NM_001009944.3 (MANE Select); coding-DNA position 5803, C replaced by T.
Protein change: p.Arg1935Cys; replaces arginine 1935 with cysteine.
Molecular consequence: missense variant.
Genome position (GRCh38, 1-based): chr16:2,109,364, G>A on the plus strand (C>T on the coding strand, the complement: PKD1 is on the minus strand). VCF-style: chr16-2109364-G-A. GRCh37 (hg19) VCF-style: chr16-2159365-G-A.
Other names: c.5803C>T, p.Arg1935Cys (NM_000296.4); c.5803C>T (NM_001009944.2); short protein forms R1935C.
Identifiers: ClinVar variation 440085 (VCV000440085.11), dbSNP rs776113903, ClinGen allele CA7831851.

ClinVar aggregate classification (germline): Uncertain significance. Review status: criteria provided, multiple submitters, no conflicts (2 of 4 stars). 4 submissions from 4 submitters: Uncertain significance (4). Last evaluated 2024-10-04.

Conditions:
Polycystic kidney disease, adult type (PKD1). Also called: Polycystic Kidney, Autosomal Dominant; POLYCYSTIC KIDNEY DISEASE 1 WITH OR WITHOUT POLYCYSTIC LIVER DISEASE; POLYCYSTIC KIDNEY DISEASE, ADULT, TYPE I; Polycystic Kidney Disease 1, Autosomal Dominant; Polycystic kidney disease 1; Polycystic kidney disease 1, severe. Identifiers: MedGen C3149841, MONDO:0008263, OMIM 173900.
Inborn genetic diseases. Identifiers: MedGen C0950123, MeSH D030342.

Allele frequency attached by ClinVar (database versions not stated): gnomAD below 0.00001 and 0.00001; TOPMed 0.00001; ExAC 0.00004.
gnomAD v4.1: 49 of 1,591,648 alleles (0.0031%); highest among the groups gnomAD compares: South Asian, 0.029%; no homozygotes.

Submissions (4):

Ambry Genetics
Classification: Uncertain significance for Inborn genetic diseases. Last evaluated: 2024-10-04. Review status: criteria provided, single submitter. Criteria: Ambry Variant Classification Scheme 2023. Collection method: clinical testing. Allele origin: germline.

GeneDx
Classification: Uncertain significance. Last evaluated: 2023-04-26. Review status: criteria provided, single submitter. Criteria: GeneDx Variant Classification Process June 2021. Collection method: clinical testing. Allele origin: germline. Affected: yes.
Comment: In silico analysis supports that this missense variant does not alter protein structure/function; Has not been previously published as pathogenic or benign to our knowledge

Fulgent Genetics
Classification: Uncertain significance for Polycystic kidney disease, adult type. Last evaluated: 2022-03-04. Review status: criteria provided, single submitter. Criteria: ACMG Guidelines, 2015. Collection method: clinical testing. Allele origin: unknown.

ARUP Laboratories, Molecular Genetics and Genomics, ARUP Laboratories
Classification: Uncertain significance. Last evaluated: 2016-09-24. Review status: criteria provided, single submitter. Criteria: ARUP Molecular Germline Variant Investigation Process. Collection method: clinical testing. Allele origin: germline.